The following is an entry in ClinVar:

NM_006421.5(ARFGEF1):c.209C>G (p.Ser70Ter)

Gene: ARFGEF1 (ARF guanine nucleotide exchange factor 1; minus strand). Cytogenetic location: 8q13.2.
Variant type: single nucleotide variant.
Coding change: c.209C>G on transcript NM_006421.5 (MANE Select); coding-DNA position 209, C replaced by G.
Protein change: p.Ser70Ter; replaces serine 70 with a stop codon.
Molecular consequence: nonsense. On other transcripts: 5 prime UTR variant (4), non-coding transcript variant (1).
Genome position (GRCh38, 1-based): chr8:67,301,327, G>C on the plus strand (C>G on the coding strand, the complement: ARFGEF1 is on the minus strand). VCF-style: chr8-67301327-G-C. GRCh37 (hg19) VCF-style: chr8-68213562-G-C.
Other names: c.209C>G, p.Ser70Ter (NM_001413184.1, NM_001413185.1, NM_001413186.1 and 7 more transcripts); c.-392C>G (NM_001413188.1, NM_001413193.1, NM_001413197.1); c.-907C>G (NM_001413196.1); short protein forms S70*.
Identifiers: ClinVar variation 2505196 (VCV002505196.1), dbSNP rs2491942104, ClinGen allele CA371259248.
Genomic context (GRCh38, chr8:67,301,327, plus strand): 5'-GACTGGCATGCCAACTCAAAAGGCAAGAAGTACTTGTCTGCTTCAATAAAATTTGTCTTT[G>C]ATTTCACTGGTGGAAGGGTGCTTGATCCAGCTTTTGCTTCTCCATGAGGAGGACTAAATG-3'

ClinVar aggregate classification (germline): Likely pathogenic (1 of 4 stars; one submission).

Conditions:
Developmental delay, impaired speech, and behavioral abnormalities, with or without seizures (DEDISB). Identifiers: MedGen C5575272, MONDO:0859263, OMIM 619964.

Submission:

Greenwood Genetic Center Diagnostic Laboratories, Greenwood Genetic Center
Classification: Likely pathogenic for Developmental delay, impaired speech, and behavioral abnormalities, with or without seizures. Last evaluated: 2023-01-12. Review status: criteria provided, single submitter. Criteria: ACMG Guidelines, 2015. Collection method: clinical testing. Allele origin: germline. Affected: yes.
Comment: PVS1, PM2